The following is an entry in ClinVar:

NM_020549.5(CHAT):c.1897del (p.Ala633fs)

Gene: CHAT (choline O-acetyltransferase; plus strand). Cytogenetic location: 10q11.23.
Variant type: Deletion.
Coding change: c.1897del on transcript NM_020549.5 (MANE Select); coding-DNA position 1897, one base deleted (G; older notation c.1897delG).
Protein change: p.Ala633fs; shifts the reading frame from alanine 633.
Molecular consequence: frameshift variant.
Genome position (GRCh38, 1-based): chr10:49,662,702, G deleted; the last of 3 consecutive G bases (chr10:49,662,700-49,662,702); deleting any one gives the same sequence. VCF-style (leftmost placement, unchanged base first): chr10-49662699-CG-C. GRCh37 (hg19) VCF-style: chr10-50870745-CG-C.
Other names: c.1543del, p.Ala515fs (NM_001142929.2, NM_001142934.2, NM_020984.4 and 2 more transcripts); c.1651del, p.Ala551fs (NM_001142933.2); short protein forms A515fs, A551fs, A633fs.
Identifiers: ClinVar variation 2764116 (VCV002764116.3), dbSNP rs2538892786, ClinGen allele CA2697558349.

ClinVar aggregate classification (germline): Pathogenic (1 of 4 stars; one submission).

Conditions:
Familial infantile myasthenia (CMS6). Also called: MYASTHENIC SYNDROME, PRESYNAPTIC, CONGENITAL, ASSOCIATED WITH EPISODIC APNEA; MYASTHENIC SYNDROME, CONGENITAL, 6, PRESYNAPTIC; Congenital myasthenic syndrome type 6. Identifiers: Orphanet 590, MedGen C0393929, MONDO:0009689, OMIM 254210.

Submission:

Labcorp Genetics (formerly Invitae), Labcorp
Classification: Pathogenic for Familial infantile myasthenia. Last evaluated: 2023-09-08. Review status: criteria provided, single submitter. Criteria: Invitae Variant Classification Sherloc (09022015). Collection method: clinical testing. Allele origin: germline.
Comment: For these reasons, this variant has been classified as Pathogenic. This variant disrupts a region of the CHAT protein in which other variant(s) (p.Ser694Cys) have been determined to be pathogenic (PMID: 12548525, 15701560). This suggests that this is a clinically significant region of the protein, and that variants that disrupt it are likely to be disease-causing. This variant has not been reported in the literature in individuals affected with CHAT-related conditions. This variant is not present in population databases (gnomAD no frequency). This sequence change creates a premature translational stop signal (p.Ala633Profs*16) in the CHAT gene. While this is not anticipated to result in nonsense mediated decay, it is expected to disrupt the last 116 amino acid(s) of the CHAT protein.

Literature cited by the submitters: PubMed 12548525; PubMed 15701560.